The following is an entry in ClinVar:

NM_003059.3(SLC22A4):c.1444G>A (p.Gly482Ser)

Genes: SLC22A4 (solute carrier family 22 member 4; plus strand), MIR3936HG (MIR3936 host gene; minus strand). Cytogenetic location: 5q31.1.
Variant type: single nucleotide variant.
Coding change: c.1444G>A on transcript NM_003059.3 (MANE Select); coding-DNA position 1444, G replaced by A.
Protein change: p.Gly482Ser; replaces glycine 482 with serine.
Molecular consequence: missense variant.
Genome position (GRCh38, 1-based): chr5:132,336,000, G>A. VCF-style: chr5-132336000-G-A. GRCh37 (hg19) VCF-style: chr5-131671693-G-A.
Other names: short protein forms G482S.
Identifiers: ClinVar variation 2901761 (VCV002901761.4), dbSNP rs148341373, ClinGen allele CA3403675.

ClinVar aggregate classification (germline): Uncertain significance (1 of 4 stars; one submission).

Allele frequency attached by ClinVar (database versions not stated): gnomAD 0.00001; gnomAD exomes 0.00001; ExAC 0.00002; TOPMed 0.00002; ESP Exome Variant Server 0.00008.

Submissions (2):

Labcorp Genetics (formerly Invitae), Labcorp
Classification: Uncertain significance. Last evaluated: 2025-01-06. Review status: criteria provided, single submitter. Criteria: Invitae Variant Classification Sherloc (09022015). Collection method: clinical testing. Allele origin: germline.
Comment: This sequence change replaces glycine, which is neutral and non-polar, with serine, which is neutral and polar, at codon 482 of the SLC22A4 protein (p.Gly482Ser). This variant also falls at the last nucleotide of exon 8, which is part of the consensus splice site for this exon. This variant is present in population databases (rs148341373, gnomAD 0.02%). This variant has not been reported in the literature in individuals affected with SLC22A4-related conditions. ClinVar contains an entry for this variant (Variation ID: 2901761). An algorithm developed to predict the effect of missense changes on protein structure and function (PolyPhen-2) suggests that this variant is likely to be tolerated. Variants that disrupt the consensus splice site are a relatively common cause of aberrant splicing (PMID: 17576681, 9536098). Algorithms developed to predict the effect of sequence changes on RNA splicing suggest that this variant may disrupt the consensus splice site. In summary, the available evidence is currently insufficient to determine the role of this variant in disease. Therefore, it has been classified as a Variant of Uncertain Significance.

Dr. Peter K. Rogan Lab, Western University
No classification provided (evidence only). Condition: Papillary renal cell carcinoma type 1. Review status: no classification provided. Collection method: in vitro. Allele origin: not applicable. Functional consequence: retained intron. Not counted in ClinVar's aggregate classification.

Literature cited by the submitters: PubMed 17576681 (cited by Labcorp Genetics (formerly Invitae), Labcorp); PubMed 9536098 (cited by Labcorp Genetics (formerly Invitae), Labcorp).